The following is an entry in ClinVar:

NM_173689.7(CRB2):c.386G>A (p.Arg129His)

Gene: CRB2 (crumbs cell polarity complex component 2; plus strand). Cytogenetic location: 9q33.3.
Variant type: single nucleotide variant.
Coding change: c.386G>A on transcript NM_173689.7 (MANE Select); coding-DNA position 386, G replaced by A.
Protein change: p.Arg129His; replaces arginine 129 with histidine.
Molecular consequence: missense variant.
Genome position (GRCh38, 1-based): chr9:123,363,156, G>A. VCF-style: chr9-123363156-G-A. GRCh37 (hg19) VCF-style: chr9-126125435-G-A.
Other names: short protein forms R129H.
Identifiers: ClinVar variation 4006700 (VCV004006700.2).

ClinVar aggregate classification (germline): Uncertain significance. Review status: criteria provided, multiple submitters, no conflicts (2 of 4 stars). 2 submissions from 2 submitters: Uncertain significance (2). Last evaluated 2026-01-17.

Conditions:
Inborn genetic diseases. Identifiers: MedGen C0950123, MeSH D030342.

Submissions (2):

Labcorp Genetics (formerly Invitae), Labcorp
Classification: Uncertain significance. Last evaluated: 2026-01-17. Review status: criteria provided, single submitter. Criteria: Invitae Variant Classification Sherloc (09022015). Collection method: clinical testing. Allele origin: germline.
Comment: This sequence change replaces arginine, which is basic and polar, with histidine, which is basic and polar, at codon 129 of the CRB2 protein (p.Arg129His). This variant is present in population databases (rs549870240, gnomAD 0.01%). This variant has not been reported in the literature in individuals affected with CRB2-related conditions. ClinVar contains an entry for this variant (Variation ID: 4006700). Invitae Evidence Modeling of protein sequence and biophysical properties (such as structural, functional, and spatial information, amino acid conservation, physicochemical variation, residue mobility, and thermodynamic stability) indicates that this missense variant is not expected to disrupt CRB2 protein function with a negative predictive value of 80%. In summary, the available evidence is currently insufficient to determine the role of this variant in disease. Therefore, it has been classified as a Variant of Uncertain Significance.

Ambry Genetics
Classification: Uncertain significance for Inborn genetic diseases. Last evaluated: 2025-05-13. Review status: criteria provided, single submitter. Criteria: Ambry Variant Classification Scheme 2023. Collection method: clinical testing. Allele origin: germline.